The following is an entry in ClinVar:

NM_004360.5(CDH1):c.48+62_48+63insCGTGCCCCAGCCC

Gene: CDH1 (cadherin 1; plus strand). Cytogenetic location: 16q22.1.
Variant type: Insertion.
Coding change: c.48+62_48+63insCGTGCCCCAGCCC on transcript NM_004360.5 (MANE Select); bases 62 to 63 of the intron after coding-DNA position 48, CGTGCCCCAGCCC inserted.
Molecular consequence: intron variant.
Genome position: GRCh38 VCF-style: chr16-68737515-C-CGCCCCAGCCCCGT. GRCh37 (hg19) VCF-style: chr16-68771418-C-CGCCCCAGCCCCGT.
Other names: c.-1568+62_-1568+63insCGTGCCCCAGCCC (NM_001317185.2); c.-1772+62_-1772+63insCGTGCCCCAGCCC (NM_001317186.2); c.48+62_48+63insCGTGCCCCAGCCC (NM_001317184.2).
Identifiers: ClinVar variation 1243608 (VCV001243608.3), dbSNP rs45625236, ClinGen allele CA8129786.

ClinVar aggregate classification (germline): Benign. Review status: criteria provided, multiple submitters, no conflicts (2 of 4 stars). 2 submissions from 2 submitters: Benign (2). Last evaluated 2025-03-04.

Submissions (2):

Center for Genomic Medicine, Rigshospitalet, Copenhagen University Hospital
Classification: Benign. Last evaluated: 2025-03-04. Review status: criteria provided, single submitter. Criteria: ACMG Guidelines, 2015. Collection method: clinical testing. Allele origin: germline.
Comment: Classification criteria: BA1

GeneDx
Classification: Benign. Last evaluated: 2015-03-03. Review status: criteria provided, single submitter. Criteria: GeneDx Variant Classification Process June 2021. Collection method: clinical testing. Allele origin: germline. Affected: yes.